The following is an entry in ClinVar:

ClinVar aggregate classification (germline): Benign. Review status: reviewed by expert panel (3 of 4 stars). 9 submissions from 8 submitters: Benign (1). 8 of the submissions do not count toward it. Last evaluated 2026-01-20.

Conditions:
Open-angle glaucoma. Identifiers: MedGen C0017612, MONDO:0005338, HP:0012108.
MYOC-related disorder. Also called: MYOC-related condition; MYOC-related disorders. Identifiers: MedGen CN239330.
Glaucoma 1, open angle, A (GLC1A). Also called: Glaucoma, Dominant (Juvenile Onset). Identifiers: Orphanet 98977, MedGen C1842028, MONDO:0007664, OMIM 137750.
Glaucoma. Identifiers: MedGen C0017601, MONDO:0005041, HP:0000501.

Allele frequency attached by ClinVar (database versions not stated): gnomAD exomes 0.00093; ExAC 0.00119; 1000 Genomes Project 0.00339; TOPMed 0.00416; 1000 Genomes Project 30x 0.00422; ESP Exome Variant Server 0.00438.
gnomAD v4.1: 1,197 of 1,613,986 alleles (0.074%); highest among the groups gnomAD compares: African/African-American, 1.3%; 7 homozygotes.

Submissions (9):

ClinGen Glaucoma Variant Curation Expert Panel
Classification: Benign for Open-angle glaucoma. Last evaluated: 2026-01-20. Review status: reviewed by expert panel. Criteria: ClinGen Glaucoma ACMG Specifications V2.0.0 Approved. Collection method: curation. Allele origin: germline. Inheritance: Autosomal dominant inheritance.
Comment: The c.1054G>A variant in MYOC is a missense variant predicted to cause substitution of Glutamic Acid by Lysine at amino acid 352 (p.Glu352Lys). The highest minor allele frequency of this variant was in the African/African-American genetic ancestry group of gnomAD (v4.1.0) = 0.01318, which met the ≥ 0.01 threshold set for BA1 (989 alleles out of 75,012, meeting the threshold of ≥ 5 of at least 2,000 observed alleles). The REVEL score = 0.514, which was neither above nor below the thresholds for PP3 (≥ 0.644) or BP4 (≤ 0.290), predicting a damaging or benign impact on MYOC function. The Glu352Lys protein had similar solubility and secretion levels compared to wild type myocilin protein in these studies (PMIDs: 10545602, 16466712). The assays met the OddsPath threshold for BS3_Moderate (< 0.23), indicating that this variant did not impact protein function. This protein has also been assessed in this other study (PMID: 36579626), however, the same level of evidence was not met. As BA1 was met, PP1 did not apply and segregations were not counted. Although probands with primary open angle glaucoma have been reported carrying this variant, PM2_Supporting was not met, therefore PS4 did not apply. In summary, this variant was classified as benign (BA1 is a stand-alone criterion for a benign level of pathogenicity) for primary open angle glaucoma based on the ACMG/AMP criteria met, as specified by the ClinGen Glaucoma VCEP (v2.0.0, 5 Dec 2024): BA1, BS3_Moderate

Labcorp Genetics (formerly Invitae), Labcorp
Classification: Benign. Last evaluated: 2026-01-25. Review status: criteria provided, single submitter. Criteria: Invitae Variant Classification Sherloc (09022015). Collection method: clinical testing. Allele origin: germline. Not counted in ClinVar's aggregate classification.

PreventionGenetics, part of Exact Sciences
Classification: Likely benign for MYOC-related condition. Last evaluated: 2025-01-27. Review status: criteria provided, single submitter. Criteria: ACMG Guidelines, 2015. Collection method: clinical testing. Allele origin: germline. Not counted in ClinVar's aggregate classification.
Comment: This variant is classified as likely benign based on ACMG/AMP sequence variant interpretation guidelines (Richards et al. 2015 PMID: 25741868, with internal and published modifications).

Mendelics
Classification: Benign. Last evaluated: 2023-08-22. Review status: criteria provided, single submitter. Criteria: Mendelics Assertion Criteria 2019. Collection method: clinical testing. Allele origin: germline. Not counted in ClinVar's aggregate classification.

CeGaT Center for Human Genetics Tuebingen
Classification: Likely benign. Last evaluated: 2023-07-01. Review status: criteria provided, single submitter. Criteria: CeGaT Center For Human Genetics Tuebingen Variant Classification Criteria Version 2. Collection method: clinical testing. Allele origin: germline. Affected: yes. Observed: 1 variant allele. Not counted in ClinVar's aggregate classification.
Comment: MYOC: BS1

GeneDx
Classification: Benign. Last evaluated: 2020-03-12. Review status: criteria provided, single submitter. Criteria: GeneDx Variant Classification Process June 2021. Collection method: clinical testing. Allele origin: germline. Affected: yes. Not counted in ClinVar's aggregate classification.
Comment: This variant is associated with the following publications: (PMID: 30484747, 9804137, 16466712)

Illumina Laboratory Services, Illumina
Classification: Benign for Glaucoma. Last evaluated: 2017-04-28. Review status: criteria provided, single submitter. Criteria: ICSL Variant Classification Criteria 13 December 2019. Collection method: clinical testing. Allele origin: germline. Not counted in ClinVar's aggregate classification.
Comment: This variant was observed as part of a predisposition screen in an ostensibly healthy population. A literature search was performed for the gene, cDNA change, and amino acid change (where applicable). No publications were found based on this search. Allele frequency data from public databases was too high to be consistent with this variant causing disease. Therefore, this variant is classified as benign.

Illumina Laboratory Services, Illumina
Classification: Benign for Glaucoma 1, open angle, A. Last evaluated: 2017-04-28. Review status: criteria provided, single submitter. Criteria: ICSL Variant Classification Criteria 13 December 2019. Collection method: clinical testing. Allele origin: germline. Not counted in ClinVar's aggregate classification.
Comment: This variant was observed as part of a predisposition screen in an ostensibly healthy population. A literature search was performed for the gene, cDNA change, and amino acid change (where applicable). Publications were found based on this search. The evidence from the literature, in combination with allele frequency data from public databases where available, was sufficient to rule this variant out of causing disease. Therefore, this variant is classified as benign.

Breakthrough Genomics
Classification: Benign. Review status: criteria provided, single submitter. Criteria: ACMG Guidelines, 2015. Collection method: not provided. Allele origin: germline. Inheritance: Autosomal dominant inheritance. Affected: yes. Not counted in ClinVar's aggregate classification.

Literature cited by the submitters: PubMed 10545602 (cited by ClinGen Glaucoma Variant Curation Expert Panel and Illumina Laboratory Services, Illumina); PubMed 36579626 (cited by ClinGen Glaucoma Variant Curation Expert Panel); PubMed 16466712 (cited by ClinGen Glaucoma Variant Curation Expert Panel and Illumina Laboratory Services, Illumina); PubMed 9804137 (cited by Illumina Laboratory Services, Illumina); PubMed 22933836 (cited by Illumina Laboratory Services, Illumina); PubMed 21552496 (cited by Illumina Laboratory Services, Illumina); PubMed 12189160 (cited by Illumina Laboratory Services, Illumina).

NM_000261.2(MYOC):c.1054G>A (p.Glu352Lys)

Gene: MYOC (myocilin; minus strand). Cytogenetic location: 1q24.3.
Variant type: single nucleotide variant.
Coding change: c.1054G>A on transcript NM_000261.2 (MANE Select); coding-DNA position 1054, G replaced by A.
Protein change: p.Glu352Lys; replaces glutamic acid 352 with lysine.
Molecular consequence: missense variant.
Genome position (GRCh38, 1-based): chr1:171,636,386, C>T on the plus strand (G>A on the coding strand, the complement: MYOC is on the minus strand). VCF-style: chr1-171636386-C-T. GRCh37 (hg19) VCF-style: chr1-171605526-C-T.
Other names: NM_000261.2:c.1054G>A; short protein forms E352K.
Identifiers: ClinVar variation 875955 (VCV000875955.48), dbSNP rs61745146, ClinGen allele CA1244087.